The following is an entry in ClinVar:

NM_007194.4(CHEK2):c.1453T>G (p.Trp485Gly)

Gene: CHEK2 (checkpoint kinase 2; minus strand). Cytogenetic location: 22q12.1.
Variant type: single nucleotide variant.
Coding change: c.1453T>G on transcript NM_007194.4 (MANE Select); coding-DNA position 1453, T replaced by G.
Protein change: p.Trp485Gly; replaces tryptophan 485 with glycine.
Molecular consequence: missense variant.
Genome position (GRCh38, 1-based): chr22:28,694,040, A>C on the plus strand (T>G on the coding strand, the complement: CHEK2 is on the minus strand). VCF-style: chr22-28694040-A-C. GRCh37 (hg19) VCF-style: chr22-29090028-A-C.
Other names: c.790T>G, p.Trp264Gly (NM_001257387.3); c.1366T>G, p.Trp456Gly (NM_145862.3); c.1252T>G, p.Trp418Gly (NM_001349956.3); c.1582T>G, p.Trp528Gly (NM_001005735.3); short protein forms W418G, W456G, W264G, W485G, W528G.
Identifiers: ClinVar variation 2763184 (VCV002763184.3), dbSNP rs786202244, ClinGen allele CA411093947.
Genomic context (GRCh38, chr22:28,694,040, plus strand): 5'-GCAGCAGGGCTTCCCATGTATTTTATGCTAGCAGGCACTGTCCCACACCCACCTGAAGCC[A>C]CGGGTGTCTTAAGGCTTCTTCTGTCGTAAAACGTGCCTTTGGATCCACTACCAACAACTT-3'
Protein context (NP_009125.1, residues 475-495): FTTEEALRHP[Trp485Gly]LQDEDMKRKF

ClinVar aggregate classification (germline): Uncertain significance (1 of 4 stars; one submission).

Conditions:
Familial cancer of breast. Also called: Hereditary breast cancer; BREAST CANCER, FAMILIAL; hereditary breast carcinoma. Identifiers: Orphanet 227535, MedGen C0346153, MONDO:0016419, OMIM 114480. Disease mechanism: loss of function.

Submission:

Labcorp Genetics (formerly Invitae), Labcorp
Classification: Uncertain significance for Familial cancer of breast. Last evaluated: 2024-06-12. Review status: criteria provided, single submitter. Criteria: Invitae Variant Classification Sherloc (09022015). Collection method: clinical testing. Allele origin: germline.
Comment: This sequence change replaces tryptophan, which is neutral and slightly polar, with glycine, which is neutral and non-polar, at codon 485 of the CHEK2 protein (p.Trp485Gly). This variant is not present in population databases (gnomAD no frequency). This missense change has been observed in individual(s) with CHEK2-related conditions (PMID: 34903604). An algorithm developed to predict the effect of missense changes on protein structure and function (PolyPhen-2) suggests that this variant is likely to be disruptive. Experimental studies have shown that this missense change affects CHEK2 function (PMID: 34903604). In summary, the available evidence is currently insufficient to determine the role of this variant in disease. Therefore, it has been classified as a Variant of Uncertain Significance.

Literature cited by the submitters: PubMed 34903604.